The following is an entry in ClinVar:

ClinVar aggregate classification (germline): Pathogenic (1 of 4 stars; one submission).

Submission:

Labcorp Genetics (formerly Invitae), Labcorp
Classification: Pathogenic. Last evaluated: 2023-03-29. Review status: criteria provided, single submitter. Criteria: Invitae Variant Classification Sherloc (09022015). Collection method: clinical testing. Allele origin: germline.
Comment: For these reasons, this variant has been classified as Pathogenic. ClinVar contains an entry for this variant (Variation ID: 2055640). This variant has not been reported in the literature in individuals affected with F11-related conditions. This variant is not present in population databases (gnomAD no frequency). This sequence change creates a premature translational stop signal (p.Leu254Glnfs*97) in the F11 gene. It is expected to result in an absent or disrupted protein product. Loss-of-function variants in F11 are known to be pathogenic (PMID: 23929304).

Literature cited by the submitters: PubMed 23929304.

NM_000128.4(F11):c.760_761insAGATG (p.Leu254fs)

Gene: F11 (coagulation factor XI; plus strand). Cytogenetic location: 4q35.2.
Variant type: Insertion.
Coding change: c.760_761insAGATG on transcript NM_000128.4 (MANE Select); coding-DNA positions 760 to 761, AGATG inserted.
Protein change: p.Leu254fs; shifts the reading frame from leucine 254.
Molecular consequence: frameshift variant.
Genome position: GRCh38 VCF-style: chr4-186280016-C-CAGATG. GRCh37 (hg19) VCF-style: chr4-187201170-C-CAGATG.
Other names: short protein forms L254fs.
Identifiers: ClinVar variation 2055640 (VCV002055640.4), dbSNP rs2477323136, ClinGen allele CA2580071710.